The following is an entry in ClinVar:

NM_020975.6(RET):c.1759C>G (p.Arg587Gly)

Gene: RET (ret proto-oncogene; plus strand). Cytogenetic location: 10q11.21.
Variant type: single nucleotide variant.
Coding change: c.1759C>G on transcript NM_020975.6 (MANE Select); coding-DNA position 1759, C replaced by G.
Protein change: p.Arg587Gly; replaces arginine 587 with glycine.
Molecular consequence: missense variant.
Genome position (GRCh38, 1-based): chr10:43,112,963, C>G. VCF-style: chr10-43112963-C-G. GRCh37 (hg19) VCF-style: chr10-43608411-C-G.
Other names: c.1759C>G, p.Arg587Gly (NM_000323.2, NM_001406743.1, NM_001406744.1 and 6 more transcripts); c.997C>G, p.Arg333Gly (NM_001355216.2); c.1630C>G, p.Arg544Gly (NM_001406761.1, NM_001406762.1, NM_001406764.1 and 1 more transcripts); c.1471C>G, p.Arg491Gly (NM_001406766.1, NM_001406767.1, NM_001406770.1); c.1363C>G, p.Arg455Gly (NM_001406769.1, NM_001406772.1); c.1321C>G, p.Arg441Gly (NM_001406771.1, NM_001406773.1); c.1234C>G, p.Arg412Gly (NM_001406774.1); c.1033C>G, p.Arg345Gly (NM_001406775.1, NM_001406776.1, NM_001406777.1 and 1 more transcripts); and 7 more; short protein forms R587G, R333G, H192D, H288D, R192G, R544G, R104G, R345G.
Identifiers: ClinVar variation 851868 (VCV000851868.10), dbSNP rs748905470, ClinGen allele CA376552266.

ClinVar aggregate classification (germline): Uncertain significance (1 of 4 stars; one submission).

Conditions:
Multiple endocrine neoplasia, type 2 (MEN2). Identifiers: Orphanet 653, MedGen C4048306, MONDO:0019003. Disease mechanism: gain of function.

gnomAD v4.1: 1 of 1,612,774 alleles (0.000062%); highest among the groups gnomAD compares: Non-Finnish European, 0.000085%; no homozygotes.

Submission:

Labcorp Genetics (formerly Invitae), Labcorp
Classification: Uncertain significance for Multiple endocrine neoplasia, type 2. Last evaluated: 2019-03-25. Review status: criteria provided, single submitter. Criteria: Invitae Variant Classification Sherloc (09022015). Collection method: clinical testing. Allele origin: germline.
Comment: In summary, the available evidence is currently insufficient to determine the role of this variant in disease. Therefore, it has been classified as a Variant of Uncertain Significance. Algorithms developed to predict the effect of sequence changes on RNA splicing suggest that this variant may create or strengthen a splice site, but this prediction has not been confirmed by published transcriptional studies. Algorithms developed to predict the effect of missense changes on protein structure and function (SIFT, PolyPhen-2, Align-GVGD) all suggest that this variant is likely to be tolerated, but these predictions have not been confirmed by published functional studies and their clinical significance is uncertain. This variant has not been reported in the literature in individuals with RET-related conditions. This variant is not present in population databases (ExAC no frequency). This sequence change replaces arginine with glycine at codon 587 of the RET protein (p.Arg587Gly). The arginine residue is moderately conserved and there is a moderate physicochemical difference between arginine and glycine.